The following is an entry in ClinVar:

ClinVar aggregate classification (germline): Likely pathogenic (1 of 4 stars; one submission).

Conditions:
Bloom syndrome (BLM). Also called: Bloom-Torre-Machacek syndrome. Identifiers: Orphanet 125, MedGen C0005859, MONDO:0008876, OMIM 210900.

Submission:

Labcorp Genetics (formerly Invitae), Labcorp
Classification: Likely pathogenic for Bloom syndrome. Last evaluated: 2025-09-25. Review status: criteria provided, single submitter. Criteria: Invitae Variant Classification Sherloc (09022015). Collection method: clinical testing. Allele origin: germline.
Comment: This sequence change affects an acceptor splice site in intron 6 of the BLM gene. It is expected to disrupt RNA splicing. Variants that disrupt the donor or acceptor splice site typically lead to a loss of protein function (PMID: 16199547), and loss-of-function variants in BLM are known to be pathogenic (PMID: 17407155). This variant is not present in population databases (gnomAD no frequency). Disruption of this splice site has been observed in individual(s) with breast cancer (PMID: 32029870). Algorithms developed to predict the effect of sequence changes on RNA splicing suggest that this variant may disrupt the consensus splice site. In summary, the currently available evidence indicates that the variant is pathogenic, but additional data are needed to prove that conclusively. Therefore, this variant has been classified as Likely Pathogenic.

Literature cited by the submitters: PubMed 16199547; PubMed 17407155; PubMed 32029870.

NM_000057.4(BLM):c.1221-2A>T

Gene: BLM (BLM RecQ like helicase; plus strand). Cytogenetic location: 15q26.1.
Variant type: single nucleotide variant.
Coding change: c.1221-2A>T on transcript NM_000057.4 (MANE Select); the canonical splice acceptor site of the intron before coding-DNA position 1221, A replaced by T.
Molecular consequence: splice acceptor variant.
Genome position (GRCh38, 1-based): chr15:90,760,592, A>T. VCF-style: chr15-90760592-A-T. GRCh37 (hg19) VCF-style: chr15-91303822-A-T.
Other names: c.1221-2A>T (NM_001287246.2, NM_001287247.2); c.96-2A>T (NM_001287248.2).
Identifiers: ClinVar variation 4727866 (VCV004727866.1).